The following is an entry in ClinVar:

ClinVar aggregate classification (germline): Uncertain significance. Review status: criteria provided, single submitter (1 of 4 stars). 2 submissions from 2 submitters: Uncertain significance (1). 1 of the submissions does not count toward it. Last evaluated 2026-04-01.

Conditions:
Usher syndrome type 1 (USH1). Also called: RETINITIS PIGMENTOSA AND CONGENITAL DEAFNESS. Identifiers: Orphanet 231169, Orphanet 886, MedGen C1568247, MONDO:0010168, OMIM 276900.

Submissions (2):

GeneDx
Classification: Uncertain significance. Last evaluated: 2026-04-01. Review status: criteria provided, single submitter. Criteria: GeneDx Variant Classification Process June 2021. Collection method: clinical testing. Allele origin: germline.
Comment: Not observed at significant frequency in large population cohorts (gnomAD); In-frame deletion of 1 amino acid in a non-repeat region; In silico analysis supports a deleterious effect on protein structure/function; Has not been previously published as pathogenic or benign to our knowledge

Natera, Inc.
Classification: Uncertain significance for Usher syndrome type 1. Last evaluated: 2025-03-10. Review status: no assertion criteria provided. Collection method: clinical testing. Allele origin: germline. Not counted in ClinVar's aggregate classification.

NM_022124.6(CDH23):c.2044_2046del (p.Glu682del)

Gene: CDH23 (cadherin related 23; plus strand). Cytogenetic location: 10q22.1.
Variant type: Deletion.
Coding change: c.2044_2046del on transcript NM_022124.6 (MANE Select); coding-DNA positions 2044 to 2046, 3 bases deleted (GAG; older notation c.2044_2046delGAG).
Protein change: p.Glu682del; deletes glutamic acid 682.
Genome position (GRCh38, 1-based): chr10:71,687,704-71,687,706, GAG deleted; deleting any 3 consecutive bases within chr10:71,687,703-71,687,706 gives the same sequence; the c. name uses the placement nearest the transcript's 3' end. VCF-style (leftmost placement, unchanged base first): chr10-71687702-TGGA-T. GRCh37 (hg19) VCF-style: chr10-73447459-TGGA-T.
Other names: c.2044_2046del, p.Glu682del (NM_001171930.2, NM_001171931.2); short protein forms E682del.
Identifiers: ClinVar variation 4064113 (VCV004064113.2).
Genomic context (GRCh38, chr10:71,687,702, plus strand): 5'-TCCAGGATGAGAATGACAACCCTCCCACCTTCAGCAAGCCCGCCTACTTCGTCTCCGTGG[TGGA>T]GAACATCATGGCAGGTACAGGCTCAGGTCGGGGGGTGGGGGGCACATGGAGGTAGGCAGC-3'